The following is an entry in ClinVar:

NM_001065.4(TNFRSF1A):c.560A>T (p.Lys187Ile)

Gene: TNFRSF1A (TNF receptor superfamily member 1A; minus strand). Cytogenetic location: 12p13.31.
Variant type: single nucleotide variant.
Coding change: c.560A>T on transcript NM_001065.4 (MANE Select); coding-DNA position 560, A replaced by T.
Protein change: p.Lys187Ile; replaces lysine 187 with isoleucine.
Molecular consequence: missense variant.
Genome position (GRCh38, 1-based): chr12:6,330,918, T>A on the plus strand (A>T on the coding strand, the complement: TNFRSF1A is on the minus strand). VCF-style: chr12-6330918-T-A. GRCh37 (hg19) VCF-style: chr12-6440084-T-A.
Other names: c.236A>T, p.Lys79Ile (NM_001346091.2); c.101A>T, p.Lys34Ile (NM_001346092.2); short protein forms K34I, K79I, K187I.
Identifiers: ClinVar variation 945537 (VCV000945537.9), dbSNP rs1948042781, ClinGen allele CA383548167.

ClinVar aggregate classification (germline): Uncertain significance (1 of 4 stars; one submission).

Conditions:
TNF receptor-associated periodic fever syndrome (TRAPS) (FPF). Also called: TNF RECEPTOR-ASSOCIATED PERIODIC SYNDROME; TUMOR NECROSIS FACTOR RECEPTOR-ASSOCIATED PERIODIC SYNDROME; TNF Receptor-Associated Periodic Fever Syndrome; FAMILIAL HIBERNIAN FEVER; TNF receptor 1-associated periodic fever syndrome; Autosomal Dominant Familial Periodic Fever. Identifiers: Orphanet 32960, MedGen C1275126, MONDO:0007727, OMIM 142680.

Submission:

Labcorp Genetics (formerly Invitae), Labcorp
Classification: Uncertain significance for TNF receptor-associated periodic fever syndrome (TRAPS). Last evaluated: 2019-06-20. Review status: criteria provided, single submitter. Criteria: Invitae Variant Classification Sherloc (09022015). Collection method: clinical testing. Allele origin: germline.
Comment: This sequence change replaces lysine with isoleucine at codon 187 of the TNFRSF1A protein (p.Lys187Ile). The lysine residue is moderately conserved and there is a moderate physicochemical difference between lysine and isoleucine. In summary, the available evidence is currently insufficient to determine the role of this variant in disease. Therefore, it has been classified as a Variant of Uncertain Significance. Algorithms developed to predict the effect of missense changes on protein structure and function are either unavailable or do not agree on the potential impact of this missense change (SIFT: "Deleterious"; PolyPhen-2: "Benign"; Align-GVGD: "Class C0"). This variant has not been reported in the literature in individuals with TNFRSF1A-related conditions. This variant is not present in population databases (ExAC no frequency).